The following is an entry in ClinVar:

NM_001278116.2(L1CAM):c.3581C>T (p.Ser1194Leu)

Gene: L1CAM (L1 cell adhesion molecule; minus strand). Cytogenetic location: Xq28.
Variant type: single nucleotide variant.
Coding change: c.3581C>T on transcript NM_001278116.2 (MANE Select); coding-DNA position 3581, C replaced by T.
Protein change: p.Ser1194Leu; replaces serine 1194 with leucine.
Molecular consequence: missense variant.
Genome position (GRCh38, 1-based): chrX:153,862,856, G>A on the plus strand (C>T on the coding strand, the complement: L1CAM is on the minus strand). VCF-style: chrX-153862856-G-A. GRCh37 (hg19) VCF-style: chrX-153128311-G-A.
Other names: L1CAM, SER1194LEU; c.3581C>T, p.Ser1194Leu (NM_000425.5); c.3554C>T, p.Ser1185Leu (NM_001143963.2); c.3569C>T, p.Ser1190Leu (NM_024003.3); short protein forms S1194L, S1185L, S1190L.
Identifiers: ClinVar variation 9993 (VCV000009993.9), dbSNP rs137852522, ClinGen allele CA254960.

ClinVar aggregate classification (germline): Pathogenic/Likely pathogenic. Review status: criteria provided, multiple submitters, no conflicts (2 of 4 stars). 6 submissions from 5 submitters: Pathogenic (2); Likely pathogenic (2). 2 of the submissions do not count toward it. Last evaluated 2022-03-31.

Conditions:
Hydrops fetalis. Identifiers: Orphanet 1041, MedGen C0020305, MONDO:0015193, HP:0001789.
Severe hydrocephalus. Identifiers: MedGen C3278123, HP:0006882.
Inborn genetic diseases. Identifiers: MedGen C0950123, MeSH D030342.
X-linked hydrocephalus syndrome (HYCX). Also called: X-linked hydrocephalus; AQUEDUCTAL STENOSIS, X-LINKED; HYDROCEPHALUS, CONGENITAL, X-LINKED; X-Linked Hydrocephalus with Stenosis of the Aqueduct of Sylvius (HSAS); X-Linked Hydrocephalus with Stenosis of the Aqueduct of Sylvius. Identifiers: Orphanet 2182, MedGen C0265216, MONDO:0010611, OMIM 307000.
MASA syndrome. Also called: CLASPED THUMB AND MENTAL RETARDATION; GAREIS-MASON SYNDROME; ADDUCTED THUMB WITH MENTAL RETARDATION; CRASH syndrome; SPASTIC PARAPLEGIA 1, X-LINKED; MASA Syndrome (Mental Retardation, Adducted Thumbs, Shuffling Gait, and Aphasia). Identifiers: Orphanet 2466, MedGen C0795953, MONDO:0010559, OMIM 303350.

Allele frequency attached by ClinVar (database versions not stated): gnomAD exomes below 0.00001.
gnomAD v4.1: 1 of 1,212,135 alleles (0.000082%); highest among the groups gnomAD compares: Non-Finnish European, 0.00011%; no homozygotes.

Submissions (6):

GeneDx
Classification: Pathogenic. Last evaluated: 2022-03-31. Review status: criteria provided, single submitter. Criteria: GeneDx Variant Classification Process June 2021. Collection method: clinical testing. Allele origin: germline. Affected: yes.
Comment: Published functional studies demonstrate a damaging effect due to reduction of neuronal migration and MAP kinase activation (Thelen et al., 2002); In silico analysis supports that this missense variant has a deleterious effect on protein structure/function; Not observed at significant frequency in large population cohorts (gnomAD); This variant is associated with the following publications: (PMID: 11438988, 10908608, 11222639, 28152038, 7881431, 30197081, 31680349, 12077189)

Genetics Institute, Tel Aviv Sourasky Medical Center
Classification: Likely pathogenic for X-linked hydrocephalus syndrome. Last evaluated: 2021-05-12. Review status: criteria provided, single submitter. Criteria: ACMG Guidelines, 2015. Collection method: clinical testing. Allele origin: maternal. Inheritance: X-linked inheritance.

Center for Reproductive Medicine, Peking University Third Hospital
Classification: Pathogenic for Severe hydrocephalus; Hydrops fetalis. Last evaluated: 2019-10-16. Review status: criteria provided, single submitter. Criteria: ACMG Guidelines, 2015. Collection method: clinical testing. Allele origin: germline. Affected: yes.

Ambry Genetics
Classification: Likely pathogenic for Inborn genetic diseases. Last evaluated: 2015-08-07. Review status: criteria provided, single submitter. Criteria: Ambry Variant Classification Scheme 2023. Collection method: clinical testing. Allele origin: germline.
Comment: The p.S1194L variant (also known as c.3581C>T) is located in exon 28 of the L1CAM gene. This alteration results from a C to T substitution at nucleotide position 3581. The serine at codon 1194 is replaced by leucine, an amino acid with dissimilar properties. In one published study, this variant was observed to segregate with disease in two maternally related male probands diagnosed with MASA syndrome and two obligate carrier females and was absent in two unaffected maternally related males. This variant was not reported in population-based cohorts in the following databases: Database of Single Nucleotide Polymorphisms (dbSNP), NHLBI Exome Sequencing Project (ESP) and 1000 Genomes Project. Based on protein sequence alignment, this amino acid position is highly conserved in available vertebrate species. In addition, this alteration is predicted to be deleterious by in silico analysis. Based on the majority of available evidence to date, this variant is likely to be pathogenic; however, its clinical significance remains unclear.

OMIM
Classification: Pathogenic for HYDROCEPHALUS, CONGENITAL, X-LINKED. Last evaluated: 1994-12-01. Review status: no assertion criteria provided. Collection method: literature only. Allele origin: germline. Not counted in ClinVar's aggregate classification.

OMIM
Classification: Pathogenic for MASA SYNDROME. Last evaluated: 1994-12-01. Review status: no assertion criteria provided. Collection method: literature only. Allele origin: germline. Not counted in ClinVar's aggregate classification.

Literature cited by the submitters: PubMed 9300653 (cited by Center for Reproductive Medicine, Peking University Third Hospital); PubMed 31680349 (cited by Center for Reproductive Medicine, Peking University Third Hospital); PubMed 7881431 (cited by OMIM).